The following is an entry in ClinVar:

NM_004211.5(SLC6A5):c.2164C>T (p.Leu722Phe)

Gene: SLC6A5 (solute carrier family 6 member 5; plus strand). Cytogenetic location: 11p15.1.
Variant type: single nucleotide variant.
Coding change: c.2164C>T on transcript NM_004211.5 (MANE Select); coding-DNA position 2164, C replaced by T.
Protein change: p.Leu722Phe; replaces leucine 722 with phenylalanine.
Molecular consequence: missense variant.
Genome position (GRCh38, 1-based): chr11:20,652,382, C>T. VCF-style: chr11-20652382-C-T. GRCh37 (hg19) VCF-style: chr11-20673928-C-T.
Other names: c.1462C>T, p.Leu488Phe (NM_001318369.2); short protein forms L722F, L488F.
Identifiers: ClinVar variation 1443231 (VCV001443231.6), dbSNP rs768138885, ClinGen allele CA379916066.

ClinVar aggregate classification (germline): Uncertain significance (1 of 4 stars; one submission).

Conditions:
Hyperekplexia 3 (HKPX3). Also called: HYPEREKPLEXIA 3, AUTOSOMAL RECESSIVE; HYPEREKPLEXIA 3, AUTOSOMAL DOMINANT. Identifiers: Orphanet 3197, MedGen C3553288, MONDO:0013827, OMIM 614618.

Allele frequency attached by ClinVar (database versions not stated): TOPMed below 0.00001.

Submission:

Labcorp Genetics (formerly Invitae), Labcorp
Classification: Uncertain significance for Hyperekplexia 3. Last evaluated: 2024-02-05. Review status: criteria provided, single submitter. Criteria: Invitae Variant Classification Sherloc (09022015). Collection method: clinical testing. Allele origin: germline.
Comment: This sequence change replaces leucine, which is neutral and non-polar, with phenylalanine, which is neutral and non-polar, at codon 722 of the SLC6A5 protein (p.Leu722Phe). This variant is not present in population databases (gnomAD no frequency). This variant has not been reported in the literature in individuals affected with SLC6A5-related conditions. ClinVar contains an entry for this variant (Variation ID: 1443231). Advanced modeling of protein sequence and biophysical properties (such as structural, functional, and spatial information, amino acid conservation, physicochemical variation, residue mobility, and thermodynamic stability) performed at Invitae indicates that this missense variant is not expected to disrupt SLC6A5 protein function with a negative predictive value of 95%. In summary, the available evidence is currently insufficient to determine the role of this variant in disease. Therefore, it has been classified as a Variant of Uncertain Significance.